The following is an entry in ClinVar:

ClinVar aggregate classification (germline): Uncertain significance (1 of 4 stars; one submission).

gnomAD v4.1: 24 of 1,612,326 alleles (0.0015%); highest among the groups gnomAD compares: Admixed American, 0.005%; no homozygotes.

Submission:

Labcorp Genetics (formerly Invitae), Labcorp
Classification: Uncertain significance. Last evaluated: 2026-01-19. Review status: criteria provided, single submitter. Criteria: Invitae Variant Classification Sherloc (09022015). Collection method: clinical testing. Allele origin: germline.
Comment: This sequence change replaces arginine, which is basic and polar, with serine, which is neutral and polar, at codon 1954 of the HERC1 protein (p.Arg1954Ser). This variant is present in population databases (rs764966473, gnomAD 0.006%). This variant has not been reported in the literature in individuals affected with HERC1-related conditions. ClinVar contains an entry for this variant (Variation ID: 2184143). Invitae Evidence Modeling of protein sequence and biophysical properties (such as structural, functional, and spatial information, amino acid conservation, physicochemical variation, residue mobility, and thermodynamic stability) indicates that this missense variant is expected to disrupt HERC1 protein function with a positive predictive value of 80%. In summary, the available evidence is currently insufficient to determine the role of this variant in disease. Therefore, it has been classified as a Variant of Uncertain Significance.

NM_003922.4(HERC1):c.5862G>C (p.Arg1954Ser)

Gene: HERC1 (HECT and RLD domain containing E3 ubiquitin protein ligase family member 1; minus strand). Cytogenetic location: 15q22.31.
Variant type: single nucleotide variant.
Coding change: c.5862G>C on transcript NM_003922.4 (MANE Select); coding-DNA position 5862, G replaced by C.
Protein change: p.Arg1954Ser; replaces arginine 1954 with serine.
Molecular consequence: missense variant.
Genome position (GRCh38, 1-based): chr15:63,690,616, C>G on the plus strand (G>C on the coding strand, the complement: HERC1 is on the minus strand). VCF-style: chr15-63690616-C-G. GRCh37 (hg19) VCF-style: chr15-63982815-C-G.
Other names: short protein forms R1954S.
Identifiers: ClinVar variation 2184143 (VCV002184143.4), dbSNP rs764966473, ClinGen allele CA7605460.